The following is an entry in ClinVar:

ClinVar aggregate classification (germline): Uncertain significance (1 of 4 stars; one submission).

Submission:

Labcorp Genetics (formerly Invitae), Labcorp
Classification: Uncertain significance. Last evaluated: 2023-02-16. Review status: criteria provided, single submitter. Criteria: Invitae Variant Classification Sherloc (09022015). Collection method: clinical testing. Allele origin: germline.
Comment: In summary, the available evidence is currently insufficient to determine the role of this variant in disease. Therefore, it has been classified as a Variant of Uncertain Significance. Experimental studies and prediction algorithms are not available or were not evaluated, and the functional significance of this variant is currently unknown. This variant has not been reported in the literature in individuals affected with ARHGEF10-related conditions. This variant is present in population databases (rs752165781, gnomAD 0.09%), and has an allele count higher than expected for a pathogenic variant. This variant, c.306_308del, results in the deletion of 1 amino acid(s) of the ARHGEF10 protein (p.Glu102del), but otherwise preserves the integrity of the reading frame.

NM_014629.4(ARHGEF10):c.303GGA[1] (p.Glu102del)

Gene: ARHGEF10 (Rho guanine nucleotide exchange factor 10; plus strand). Cytogenetic location: 8p23.3.
Variant type: Microsatellite.
Coding change: c.303GGA[1] on transcript NM_014629.4 (MANE Select); one copy of the 3-base unit GGA starting at c.303; the reference has two copies in a row; one copy, 3 bases deleted.
Protein change: p.Glu102del; deletes glutamic acid 102.
Molecular consequence: inframe deletion. On other transcripts: inframe indel (1).
Genome position (GRCh38, 1-based): chr8:1,860,009-1,860,011, GGA deleted; deleting any 3 consecutive bases within chr8:1,860,005-1,860,011 gives the same sequence; the position shown is the placement nearest the transcript's 3' end. VCF-style (leftmost placement, unchanged base first): chr8-1860004-CAGG-C. GRCh37 (hg19) VCF-style: chr8-1808170-CAGG-C.
Other names: c.303GGA[1], p.Glu102del (NM_001308152.2); c.303_305GGA[1], p.Glu102del (NM_001308153.3); short protein forms E102del, E126del.
Identifiers: ClinVar variation 2170955 (VCV002170955.4), dbSNP rs372070314, ClinGen allele CA4599713.